The following is an entry in ClinVar:

NM_004369.4(COL6A3):c.2147G>A (p.Gly716Asp)

Gene: COL6A3 (collagen type VI alpha 3 chain; minus strand). Cytogenetic location: 2q37.3.
Variant type: single nucleotide variant.
Coding change: c.2147G>A on transcript NM_004369.4 (MANE Select); coding-DNA position 2147, G replaced by A.
Protein change: p.Gly716Asp; replaces glycine 716 with aspartic acid.
Molecular consequence: missense variant. On other transcripts: intron variant (1).
Genome position (GRCh38, 1-based): chr2:237,378,986, C>T on the plus strand (G>A on the coding strand, the complement: COL6A3 is on the minus strand). VCF-style: chr2-237378986-C-T. GRCh37 (hg19) VCF-style: chr2-238287629-C-T.
Other names: c.926G>A, p.Gly309Asp (NM_057164.5); c.1529G>A, p.Gly510Asp (NM_057165.5, NM_057167.4); c.677-1642G>A (NM_057166.5); short protein forms G716D, G510D, G309D.
Identifiers: ClinVar variation 288441 (VCV000288441.24), dbSNP rs144514259, ClinGen allele CA2189470.

ClinVar aggregate classification (germline): Conflicting classifications of pathogenicity. Review status: criteria provided, conflicting classifications (1 of 4 stars). 6 submissions from 6 submitters: Uncertain significance (1); Benign (1); Likely benign (4). Last evaluated 2026-01-13.

Conditions:
COL6A3-related disorder. Also called: COL6A3-related condition; COL6A3-related disorders.
Collagen 6-related myopathy. Identifiers: MedGen CN117976, MONDO:0100225.
Inborn genetic diseases. Identifiers: MedGen C0950123, MeSH D030342.
Bethlem myopathy 1A. Also called: MYOPATHY, BENIGN CONGENITAL, WITH CONTRACTURES; Bethlem myopathy 1; Bethlem Muscular Dystrophy. Identifiers: Orphanet 610, MedGen CN029274, MONDO:0024530, OMIM 158810.

Allele frequency attached by ClinVar (database versions not stated): gnomAD 0.00004 and 0.00010; TOPMed 0.00004; ESP Exome Variant Server 0.00015; gnomAD exomes 0.00016 and 0.00029; 1000 Genomes Project 30x 0.00031; ExAC 0.00035; 1000 Genomes Project 0.00040.
gnomAD v4.1: 257 of 1,614,182 alleles (0.016%); highest among the groups gnomAD compares: South Asian, 0.22%; no homozygotes.

Submissions (6):

Labcorp Genetics (formerly Invitae), Labcorp
Classification: Likely benign for Bethlem myopathy 1A. Last evaluated: 2026-01-13. Review status: criteria provided, single submitter. Criteria: Invitae Variant Classification Sherloc (09022015). Collection method: clinical testing. Allele origin: germline.

PreventionGenetics, part of Exact Sciences
Classification: Likely benign for COL6A3-related condition. Last evaluated: 2025-09-04. Review status: criteria provided, single submitter. Criteria: ACMG Guidelines, 2015. Collection method: clinical testing. Allele origin: germline.
Comment: This variant is classified as likely benign based on ACMG/AMP sequence variant interpretation guidelines (Richards et al. 2015 PMID: 25741868, with internal and published modifications).

Revvity Omics, Revvity
Classification: Likely benign. Last evaluated: 2024-01-08. Review status: criteria provided, single submitter. Criteria: ACMG Guidelines, 2015. Collection method: clinical testing. Allele origin: germline.

Ambry Genetics
Classification: Uncertain significance for Inborn genetic diseases. Last evaluated: 2023-02-06. Review status: criteria provided, single submitter. Criteria: Ambry Variant Classification Scheme 2023. Collection method: clinical testing. Allele origin: germline.

Illumina Laboratory Services, Illumina
Classification: Benign for Collagen VI-related myopathy. Last evaluated: 2018-01-13. Review status: criteria provided, single submitter. Criteria: ICSL Variant Classification Criteria 13 December 2019. Collection method: clinical testing. Allele origin: germline.
Comment: This variant was observed in the ICSL laboratory as part of a predisposition screen in an ostensibly healthy population. It had not been previously curated by ICSL or reported in the Human Gene Mutation Database (HGMD: prior to June 1st, 2018), and was therefore a candidate for classification through an automated scoring system. Utilizing variant allele frequency, disease prevalence and penetrance estimates, and inheritance mode, an automated score was calculated to assess if this variant is too frequent to cause the disease. Based on the score and internal cut-off values, a variant classified as benign is not then subjected to further curation. The score for this variant resulted in a classification of benign for this disease.

Eurofins Ntd Llc (ga)
Classification: Likely benign. Last evaluated: 2016-06-03. Review status: criteria provided, single submitter. Criteria: EGL Classification Definitions 2015. Collection method: clinical testing. Allele origin: germline. Observed: 1 variant allele, 1 heterozygote.